The following is an entry in ClinVar:

NM_024529.5(CDC73):c.1418-10C>G

Gene: CDC73 (cell division cycle 73; plus strand). Cytogenetic location: 1q31.2.
Variant type: single nucleotide variant.
Coding change: c.1418-10C>G on transcript NM_024529.5 (MANE Select); 10 bases into the intron before coding-DNA position 1418, C replaced by G.
Molecular consequence: intron variant.
Genome position (GRCh38, 1-based): chr1:193,249,720, C>G. VCF-style: chr1-193249720-C-G. GRCh37 (hg19) VCF-style: chr1-193218850-C-G.
Identifiers: ClinVar variation 294415 (VCV000294415.16), dbSNP rs768713729, ClinGen allele CA1303865.

ClinVar aggregate classification (germline): Conflicting classifications of pathogenicity. Review status: criteria provided, conflicting classifications (1 of 4 stars). 4 submissions from 2 submitters: Uncertain significance (1); Likely benign (3). Last evaluated 2026-01-27.

Conditions:
Parathyroid carcinoma (PRTC). Also called: Parathyroid gland carcinoma; CDC73-Related Parathyroid Carcinoma. Identifiers: Orphanet 143, MedGen C0687150, MONDO:0012004, OMIM 608266, HP:0006780.
Hyperparathyroidism 1 (HRPT1). Also called: HYPERPARATHYROIDISM, FAMILIAL ISOLATED PRIMARY. Identifiers: Orphanet 99879, MedGen C1840402, MONDO:0007767, OMIM 145000.
Hyperparathyroidism 2 with jaw tumors. Also called: Hyperparathyroidism 2; HYPERPARATHYROIDISM, FAMILIAL PRIMARY, WITH MULTIPLE OSSIFYING JAW FIBROMAS; HYPERPARATHYROIDISM-JAW TUMOR SYNDROME, HEREDITARY; Hyperparathyroidism-Jaw Tumor Syndrome. Identifiers: Orphanet 99880, MedGen C1704981, MONDO:0007768, OMIM 145001.

Allele frequency attached by ClinVar (database versions not stated): TOPMed 0.00002; gnomAD 0.00003; ExAC 0.00008.
gnomAD v4.1: 66 of 1,601,920 alleles (0.0041%); highest among the groups gnomAD compares: Middle Eastern, 0.033%; no homozygotes.

Submissions (4):

Labcorp Genetics (formerly Invitae), Labcorp
Classification: Likely benign for Parathyroid carcinoma. Last evaluated: 2026-01-27. Review status: criteria provided, single submitter. Criteria: Invitae Variant Classification Sherloc (09022015). Collection method: clinical testing. Allele origin: germline.

Illumina Laboratory Services, Illumina
Classification: Likely benign for Parathyroid carcinoma. Last evaluated: 2018-01-13. Review status: criteria provided, single submitter. Criteria: ICSL Variant Classification Criteria 13 December 2019. Collection method: clinical testing. Allele origin: germline.
Comment: This variant was observed in the ICSL laboratory as part of a predisposition screen in an ostensibly healthy population. It had not been previously curated by ICSL or reported in the Human Gene Mutation Database (HGMD: prior to June 1st, 2018), and was therefore a candidate for classification through an automated scoring system. Utilizing variant allele frequency, disease prevalence and penetrance estimates, and inheritance mode, an automated score was calculated to assess if this variant is too frequent to cause the disease. Based on the score and internal cut-off values, a variant classified as likely benign is not then subjected to further curation. The score for this variant resulted in a classification of likely benign for this disease.

Illumina Laboratory Services, Illumina
Classification: Uncertain significance for Hyperparathyroidism 1. Last evaluated: 2018-01-13. Review status: criteria provided, single submitter. Criteria: ICSL Variant Classification Criteria 13 December 2019. Collection method: clinical testing. Allele origin: germline.

Illumina Laboratory Services, Illumina
Classification: Likely benign for Hyperparathyroidism 2 with jaw tumors. Last evaluated: 2018-01-13. Review status: criteria provided, single submitter. Criteria: ICSL Variant Classification Criteria 13 December 2019. Collection method: clinical testing. Allele origin: germline.
Comment: the same text as in the submission from Illumina Laboratory Services, Illumina above.